The following is an entry in ClinVar:

NM_000548.5(TSC2):c.4162T>G (p.Ser1388Ala)

Gene: TSC2 (TSC complex subunit 2; plus strand). Cytogenetic location: 16p13.3.
Variant type: single nucleotide variant.
Coding change: c.4162T>G on transcript NM_000548.5 (MANE Select); coding-DNA position 4162, T replaced by G.
Protein change: p.Ser1388Ala; replaces serine 1388 with alanine.
Molecular consequence: missense variant. On other transcripts: non-coding transcript variant (5).
Genome position (GRCh38, 1-based): chr16:2,084,384, T>G. VCF-style: chr16-2084384-T-G. GRCh37 (hg19) VCF-style: chr16-2134385-T-G.
Other names: c.3961T>G, p.Ser1321Ala (NM_001077183.3); c.4093T>G, p.Ser1365Ala (NM_001114382.3); c.3853T>G, p.Ser1285Ala (NM_001318827.2); c.3817T>G, p.Ser1273Ala (NM_001318829.2); c.3430T>G, p.Ser1144Ala (NM_001318831.2); c.3994T>G, p.Ser1332Ala (NM_001318832.2); c.3964T>G, p.Ser1322Ala (NM_001363528.2); c.4030T>G, p.Ser1344Ala (NM_001370404.1); and 26 more; short protein forms S1168A, S1284A, S1317A, S1318A, S1364A, S787A, S874A, S896A.
Identifiers: ClinVar variation 2449986 (VCV002449986.2), dbSNP rs2151525463, ClinGen allele CA394299728.

ClinVar aggregate classification (germline): Uncertain significance (1 of 4 stars; one submission).

Conditions:
Hereditary cancer-predisposing syndrome. Also called: Neoplastic Syndromes, Hereditary; Tumor predisposition; Hereditary neoplastic syndrome; Hereditary Cancer Syndrome. Identifiers: Orphanet 140162, MedGen C0027672, MeSH D009386, MONDO:0015356.

Submission:

Ambry Genetics
Classification: Uncertain significance for Hereditary cancer-predisposing syndrome. Last evaluated: 2023-02-09. Review status: criteria provided, single submitter. Criteria: Ambry Variant Classification Scheme 2023. Collection method: clinical testing. Allele origin: germline.
Comment: The p.S1388A variant (also known as c.4162T>G), located in coding exon 33 of the TSC2 gene, results from a T to G substitution at nucleotide position 4162. The serine at codon 1388 is replaced by alanine, an amino acid with similar properties. This amino acid position is highly conserved in available vertebrate species. In addition, the in silico prediction for this alteration is inconclusive. Since supporting evidence is limited at this time, the clinical significance of this alteration remains unclear.